The following is an entry in ClinVar:

ClinVar aggregate classification (germline): Uncertain significance (1 of 4 stars; one submission).

Conditions:
Cenani-Lenz syndactyly syndrome. Also called: SYNDACTYLY, TYPE VII; CENANI SYNDACTYLISM. Identifiers: Orphanet 3258, MedGen C1859309, MONDO:0008931, OMIM 212780.
Congenital myasthenic syndrome 17. Identifiers: Orphanet 590, MedGen C4225377, MONDO:0014578, OMIM 616304.
Sclerosteosis 2 (SOST2). Identifiers: Orphanet 3152, MedGen C3280402, MONDO:0013679, OMIM 614305.

Allele frequency attached by ClinVar (database versions not stated): gnomAD 0.00001; ExAC 0.00002; TOPMed 0.00002.
gnomAD v4.1: 3 of 1,613,994 alleles (0.00019%); highest among the groups gnomAD compares: Admixed American, 0.005%; no homozygotes.

Submission:

Labcorp Genetics (formerly Invitae), Labcorp
Classification: Uncertain significance for Cenani-Lenz syndactyly syndrome; Sclerosteosis 2; Congenital myasthenic syndrome 17. Last evaluated: 2022-10-17. Review status: criteria provided, single submitter. Criteria: Invitae Variant Classification Sherloc (09022015). Collection method: clinical testing. Allele origin: germline.
Comment: This sequence change replaces aspartic acid, which is acidic and polar, with glutamic acid, which is acidic and polar, at codon 54 of the LRP4 protein (p.Asp54Glu). This variant is present in population databases (rs745869587, gnomAD 0.009%). This variant has not been reported in the literature in individuals affected with LRP4-related conditions. Algorithms developed to predict the effect of missense changes on protein structure and function are either unavailable or do not agree on the potential impact of this missense change (SIFT: "Deleterious"; PolyPhen-2: "Benign"; Align-GVGD: "Class C0"). In summary, the available evidence is currently insufficient to determine the role of this variant in disease. Therefore, it has been classified as a Variant of Uncertain Significance.

NM_002334.4(LRP4):c.162C>G (p.Asp54Glu)

Gene: LRP4 (LDL receptor related protein 4; minus strand). Cytogenetic location: 11p11.2.
Variant type: single nucleotide variant.
Coding change: c.162C>G on transcript NM_002334.4 (MANE Select); coding-DNA position 162, C replaced by G.
Protein change: p.Asp54Glu; replaces aspartic acid 54 with glutamic acid.
Molecular consequence: missense variant.
Genome position (GRCh38, 1-based): chr11:46,902,820, G>C on the plus strand (C>G on the coding strand, the complement: LRP4 is on the minus strand). VCF-style: chr11-46902820-G-C. GRCh37 (hg19) VCF-style: chr11-46924371-G-C.
Other names: short protein forms D54E.
Identifiers: ClinVar variation 1947149 (VCV001947149.4), dbSNP rs745869587, ClinGen allele CA5970598.
Genomic context (GRCh38, chr11:46,902,820, plus strand): 5'-ACTGCCTCTGGGGAGGTACTTACTACATCCATCCTCATCGCTGTGGTCCCCGCAGTCATT[G>C]TCTCCATCACACTGCCACTGGGCAGGGATGCAGGTACACTCTCCAAGAGCACTCACTGCA-3'
Protein context (NP_002325.2, residues 44-64): CIPAQWQCDG[Asp54Glu]NDCGDHSDED